The following is an entry in ClinVar:

ClinVar aggregate classification (germline): Pathogenic (1 of 4 stars; one submission).

Conditions:
Gorlin syndrome. Also called: Nevoid Basal Cell Carcinoma Syndrome; Basal cell nevus syndrome. Identifiers: Orphanet 377, MedGen C0004779, MONDO:0007187.

Submission:

Labcorp Genetics (formerly Invitae), Labcorp
Classification: Pathogenic for Gorlin syndrome. Last evaluated: 2017-11-28. Review status: criteria provided, single submitter. Criteria: Invitae Variant Classification Sherloc (09022015). Collection method: clinical testing. Allele origin: germline.
Comment: For these reasons, this variant has been classified as Pathogenic. Loss-of-function variants in PTCH1 are known to be pathogenic (PMID: 16301862, 16419085). This variant has not been reported in the literature in individuals with PTCH1-related disease. This variant is not present in population databases (ExAC no frequency). This sequence change creates a premature translational stop signal (p.Lys205Asnfs*15) in the PTCH1 gene. It is expected to result in an absent or disrupted protein product.

Literature cited by the submitters: PubMed 16301862; PubMed 16419085.

NM_000264.5(PTCH1):c.615del (p.Lys205fs)

Gene: PTCH1 (patched 1; minus strand). Cytogenetic location: 9q22.32.
Variant type: Deletion.
Coding change: c.615del on transcript NM_000264.5 (MANE Select); coding-DNA position 615, one base deleted (A; older notation c.615delA).
Protein change: p.Lys205fs; shifts the reading frame from lysine 205.
Molecular consequence: frameshift variant. On other transcripts: non-coding transcript variant (1).
Genome position (GRCh38, 1-based): chr9:95,482,173, T deleted on the plus strand (A on the coding strand, the reverse complement: PTCH1 is on the minus strand); the first of 3 consecutive T bases (chr9:95,482,173-95,482,175); deleting any one gives the same sequence. VCF-style (leftmost placement, unchanged base first): chr9-95482172-AT-A. GRCh37 (hg19) VCF-style: chr9-98244454-AT-A.
Other names: c.417del, p.Lys139fs (NM_001083602.3, NM_001354919.2); c.612del, p.Lys204fs (NM_001083603.3); c.162del, p.Lys54fs (NM_001083604.3, NM_001083605.3, NM_001083606.3 and 1 more transcripts); c.615del, p.Lys205fs (NM_001354918.2); short protein forms K139fs, K205fs, K204fs, K54fs.
Identifiers: ClinVar variation 524543 (VCV000524543.7), dbSNP rs1554700720, ClinGen allele CA658797237.
Genomic context (GRCh38, chr9:95,482,172, plus strand): 5'-TGCCAACAAGAAGAAAATATACCTGATCCATGTAACCTGTTTCTGTGATAAGCTCTCCTG[AT>A]TTGTAACACAAATGTTCCAATTTCCACTGCCTAATAAAATGAAAAGCAGAGACAAAAATT-3'